The following is an entry in ClinVar:

ClinVar aggregate classification (germline): Benign/Likely benign. Review status: criteria provided, multiple submitters, no conflicts (2 of 4 stars). 3 submissions from 3 submitters: Benign (1); Likely benign (2). Last evaluated 2026-01-06.

Conditions:
TTLL5-related disorder. Also called: TTLL5-related condition.

Allele frequency attached by ClinVar (database versions not stated): gnomAD 0.00073 and 0.00079; TOPMed 0.00097; gnomAD exomes 0.00006 and 0.00016; ExAC 0.00017; 1000 Genomes Project 30x 0.00031; 1000 Genomes Project 0.00040; ESP Exome Variant Server 0.00069.
gnomAD v4.1: 195 of 1,613,004 alleles (0.012%); highest among the groups gnomAD compares: African/African-American, 0.23%; no homozygotes.

Submissions (3):

Labcorp Genetics (formerly Invitae), Labcorp
Classification: Benign. Last evaluated: 2026-01-06. Review status: criteria provided, single submitter. Criteria: Invitae Variant Classification Sherloc (09022015). Collection method: clinical testing. Allele origin: germline.

PreventionGenetics, part of Exact Sciences
Classification: Likely benign for TTLL5-related condition. Last evaluated: 2025-05-05. Review status: criteria provided, single submitter. Criteria: ACMG Guidelines, 2015. Collection method: clinical testing. Allele origin: germline.
Comment: This variant is classified as likely benign based on ACMG/AMP sequence variant interpretation guidelines (Richards et al. 2015 PMID: 25741868, with internal and published modifications).

Blueprint Genetics
Classification: Likely benign. Last evaluated: 2024-03-27. Review status: criteria provided, single submitter. Criteria: ACMG Guidelines, 2015. Collection method: clinical testing. Allele origin: germline.

NM_015072.5(TTLL5):c.934+10G>A

Gene: TTLL5 (tubulin tyrosine ligase like 5; plus strand). Cytogenetic location: 14q24.3.
Variant type: single nucleotide variant.
Coding change: c.934+10G>A on transcript NM_015072.5 (MANE Select); 10 bases into the intron after coding-DNA position 934, G replaced by A.
Molecular consequence: intron variant.
Genome position (GRCh38, 1-based): chr14:75,719,836, G>A. VCF-style: chr14-75719836-G-A. GRCh37 (hg19) VCF-style: chr14-76186179-G-A.
Other names: c.934+10G>A (NM_015072.4).
Identifiers: ClinVar variation 1168295 (VCV001168295.11), dbSNP rs192536539, ClinGen allele CA7279155.